The following is an entry in ClinVar:

ClinVar aggregate classification (germline): Pathogenic/Likely pathogenic. Review status: criteria provided, multiple submitters, no conflicts (2 of 4 stars). 6 submissions from 6 submitters: Pathogenic (3); Likely pathogenic (3). Last evaluated 2025-11-04.

Conditions:
Glycogen storage disease type III (GSD3). Also called: Cori disease; FORBES DISEASE. Identifiers: Orphanet 366, MedGen C0017922, MONDO:0009291, OMIM 232400.
Glycogen storage disease IIIa (GSD IIIa). Also called: Glycogen Storage Disease Type IIIa (GSD IIIa). Identifiers: MedGen C1968739.

Allele frequency attached by ClinVar (database versions not stated): TOPMed 0.00001.

Submissions (6):

Labcorp Genetics (formerly Invitae), Labcorp
Classification: Pathogenic for Glycogen storage disease type III. Last evaluated: 2025-11-04. Review status: criteria provided, single submitter. Criteria: Invitae Variant Classification Sherloc (09022015). Collection method: clinical testing. Allele origin: germline.
Comment: This sequence change creates a premature translational stop signal (p.Arg469*) in the AGL gene. It is expected to result in an absent or disrupted protein product. Loss-of-function variants in AGL are known to be pathogenic (PMID: 19299494). This variant is present in population databases (rs766536350, gnomAD 0.007%). This premature translational stop signal has been observed in individual(s) with glycogen storage disease (PMID: 19951465). ClinVar contains an entry for this variant (Variation ID: 633032). For these reasons, this variant has been classified as Pathogenic.

Genomic Medicine Center of Excellence, King Faisal Specialist Hospital and Research Centre
Classification: Pathogenic for Glycogen storage disease type III. Last evaluated: 2025-09-10. Review status: criteria provided, single submitter. Criteria: ACMG Guidelines, 2015. Collection method: clinical testing. Allele origin: germline.

Natera, Inc.
Classification: Likely pathogenic for Glycogen storage disease type III. Last evaluated: 2024-05-23. Review status: criteria provided, single submitter. Criteria: Natera Variant Classification Schema (03/2026). Collection method: clinical testing. Allele origin: germline.
Comment: The c.1405C>T variant in AGL is a nonsense variant predicted to introduce a stop codon at amino acid 469. This variant is expected to result in nonsense mediated decay, truncation, or a dysfunctional protein product. This variant is rare in the general population with a frequency below the threshold expected for the associated phenotype(s). Given the available evidence, this variant is classified as Likely Pathogenic.

Mayo Clinic Laboratories, Mayo Clinic
Classification: Likely pathogenic. Last evaluated: 2023-02-01. Review status: criteria provided, single submitter. Criteria: ACMG Guidelines, 2015. Collection method: clinical testing. Allele origin: germline. Observed: 1 variant allele.
Comment: PS4_supporting, PVS1

Genome-Nilou Lab
Classification: Pathogenic for Glycogen storage disease type III. Last evaluated: 2021-07-15. Review status: criteria provided, single submitter. Criteria: ACMG Guidelines, 2015. Collection method: clinical testing. Allele origin: germline. Affected: no.

Women's Health and Genetics/Laboratory Corporation of America, LabCorp
Classification: Likely pathogenic for Glycogen storage disease IIIa. Last evaluated: 2021-05-08. Review status: criteria provided, single submitter. Criteria: LabCorp Variant Classification Summary - May 2015. Collection method: clinical testing. Allele origin: germline.
Comment: Variant summary: AGL c.1405C>T (p.Arg469X) results in a premature termination codon, predicted to cause a truncation of the encoded protein or absence of the protein due to nonsense mediated decay, which are commonly known mechanisms for disease. Truncations downstream of this position have been classified as pathogenic by our laboratory. The variant allele was found at a frequency of 4e-06 in 251178 control chromosomes. c.1405C>T has been reported in the literature in at-least one individual affected with Glycogen Storage Disease Type IIIa and has been subsequently cited by others (example, Wang_2009, Lu_2016). To our knowledge, no experimental evidence demonstrating an impact on protein function has been reported. One clinical diagnostic laboratory has submitted clinical-significance assessments for this variant to ClinVar after 2014 and classified the variant as pathogenic. Based on the evidence outlined above, the variant was classified as likely pathogenic.

Literature cited by the submitters: PubMed 19299494 (cited by Labcorp Genetics (formerly Invitae), Labcorp); PubMed 19951465 (cited by 3 submitters); PubMed 26984562 (cited by Mayo Clinic Laboratories, Mayo Clinic and Women's Health and Genetics/Laboratory Corporation of America, LabCorp).

NM_000642.3(AGL):c.1405C>T (p.Arg469Ter)

Gene: AGL (amylo-alpha-1,6-glucosidase and 4-alpha-glucanotransferase; plus strand). Cytogenetic location: 1p21.2.
Variant type: single nucleotide variant.
Coding change: c.1405C>T on transcript NM_000642.3 (MANE Select); coding-DNA position 1405, C replaced by T.
Protein change: p.Arg469Ter; replaces arginine 469 with a stop codon.
Molecular consequence: nonsense.
Genome position (GRCh38, 1-based): chr1:99,876,579, C>T. VCF-style: chr1-99876579-C-T. GRCh37 (hg19) VCF-style: chr1-100342135-C-T.
Other names: p.Arg469*; c.1405C>T, p.Arg469Ter (NM_000028.3, NM_000643.3, NM_000644.3 and 2 more transcripts); c.1357C>T, p.Arg453Ter (NM_000646.3); c.1204C>T, p.Arg402Ter (NM_001425327.1); c.1201C>T, p.Arg401Ter (NM_001425328.1, NM_001425329.1); c.1027C>T, p.Arg343Ter (NM_001425332.1); short protein forms R469*, R453*, R343*, R401*, R402*.
Identifiers: ClinVar variation 633032 (VCV000633032.18), dbSNP rs766536350, ClinGen allele CA966477.